The following is an entry in ClinVar:

ClinVar aggregate classification (germline): Uncertain significance (1 of 4 stars; one submission).

Conditions:
Fanconi anemia (FA). Also called: Fanconi's anemia. Identifiers: Orphanet 84, MedGen C0015625, MeSH D005199, MONDO:0019391.

gnomAD v4.1: 2 of 1,614,102 alleles (0.00012%); highest among the groups gnomAD compares: Non-Finnish European, 0.00017%; no homozygotes.

Submission:

Labcorp Genetics (formerly Invitae), Labcorp
Classification: Uncertain significance for Fanconi anemia. Last evaluated: 2021-06-11. Review status: criteria provided, single submitter. Criteria: Invitae Variant Classification Sherloc (09022015). Collection method: clinical testing. Allele origin: germline.
Comment: In summary, the available evidence is currently insufficient to determine the role of this variant in disease. Therefore, it has been classified as a Variant of Uncertain Significance. Algorithms developed to predict the effect of missense changes on protein structure and function are either unavailable or do not agree on the potential impact of this missense change (SIFT: "Deleterious"; PolyPhen-2: "Possibly Damaging"; Align-GVGD: "Class C0"). This variant has not been reported in the literature in individuals with SLX4-related conditions. This variant is not present in population databases (ExAC no frequency). This sequence change replaces glutamine with arginine at codon 1717 of the SLX4 protein (p.Gln1717Arg). The glutamine residue is moderately conserved and there is a small physicochemical difference between glutamine and arginine.

NM_032444.4(SLX4):c.5150A>G (p.Gln1717Arg)

Gene: SLX4 (SLX4 structure-specific endonuclease subunit; minus strand). Cytogenetic location: 16p13.3.
Variant type: single nucleotide variant.
Coding change: c.5150A>G on transcript NM_032444.4 (MANE Select); coding-DNA position 5150, A replaced by G.
Protein change: p.Gln1717Arg; replaces glutamine 1717 with arginine.
Molecular consequence: missense variant.
Genome position (GRCh38, 1-based): chr16:3,583,100, T>C on the plus strand (A>G on the coding strand, the complement: SLX4 is on the minus strand). VCF-style: chr16-3583100-T-C. GRCh37 (hg19) VCF-style: chr16-3633101-T-C.
Other names: short protein forms Q1717R.
Identifiers: ClinVar variation 1408191 (VCV001408191.8), dbSNP rs766089444, ClinGen allele CA394514387.